The following is an entry in ClinVar:

NM_001429.4(EP300):c.4155C>T (p.Cys1385=)

Gene: EP300 (EP300 lysine acetyltransferase; plus strand). Cytogenetic location: 22q13.2.
Variant type: single nucleotide variant.
Coding change: c.4155C>T on transcript NM_001429.4 (MANE Select); coding-DNA position 4155, C replaced by T.
Protein change: p.Cys1385=; no amino-acid change (cysteine 1385 retained).
Molecular consequence: synonymous variant.
Genome position (GRCh38, 1-based): chr22:41,168,850, C>T. VCF-style: chr22-41168850-C-T. GRCh37 (hg19) VCF-style: chr22-41564854-C-T.
Other names: c.4077C>T, p.Cys1359= (NM_001362843.2).
Identifiers: ClinVar variation 2653206 (VCV002653206.28), dbSNP rs1181179827, ClinGen allele CA514793443.

ClinVar aggregate classification (germline): Likely benign. Review status: criteria provided, multiple submitters, no conflicts (2 of 4 stars). 3 submissions from 3 submitters: Likely benign (3). Last evaluated 2025-02-03.

Conditions:
Rubinstein-Taybi syndrome due to EP300 haploinsufficiency. Also called: EP300-Related Rubinstein-Taybi Syndrome; RUBINSTEIN-TAYBI SYNDROME 2. Identifiers: Orphanet 353284, Orphanet 783, MedGen C3150941, MONDO:0013364, OMIM 613684.

Allele frequency attached by ClinVar (database versions not stated): gnomAD exomes below 0.00001; gnomAD 0.00001; TOPMed 0.00003.
gnomAD v4.1: 12 of 1,614,074 alleles (0.00074%); highest among the groups gnomAD compares: African/African-American, 0.0053%; no homozygotes.

Submissions (3):

Labcorp Genetics (formerly Invitae), Labcorp
Classification: Likely benign for Rubinstein-Taybi syndrome due to EP300 haploinsufficiency. Last evaluated: 2025-02-03. Review status: criteria provided, single submitter. Criteria: Invitae Variant Classification Sherloc (09022015). Collection method: clinical testing. Allele origin: germline.

CeGaT Center for Human Genetics Tuebingen
Classification: Likely benign. Last evaluated: 2023-05-01. Review status: criteria provided, single submitter. Criteria: CeGaT Center For Human Genetics Tuebingen Variant Classification Criteria Version 2. Collection method: clinical testing. Allele origin: germline. Affected: yes. Observed: 1 variant allele.
Comment: EP300: BP4, BP7

Blueprint Genetics
Classification: Likely benign. Last evaluated: 2022-07-18. Review status: criteria provided, single submitter. Criteria: ACMG Guidelines, 2015. Collection method: clinical testing. Allele origin: germline.